The following is an entry in ClinVar:

ClinVar aggregate classification (germline): Uncertain significance (1 of 4 stars; one submission).

Conditions:
Cardiovascular phenotype. Identifiers: MedGen CN230736.

gnomAD v4.1: 1 of 1,613,786 alleles (0.000062%); highest among the groups gnomAD compares: Admixed American, 0.0017%; no homozygotes.

Submission:

Ambry Genetics
Classification: Uncertain significance for Cardiovascular phenotype. Last evaluated: 2026-01-10. Review status: criteria provided, single submitter. Criteria: Ambry Variant Classification Scheme 2023. Collection method: clinical testing. Allele origin: germline.
Comment: The p.Q738R variant (also known as c.2213A>G), located in coding exon 14 of the CBL gene, results from an A to G substitution at nucleotide position 2213. The glutamine at codon 738 is replaced by arginine, an amino acid with highly similar properties. This amino acid position is conserved. In addition, the in silico prediction for this alteration is inconclusive. Based on the available evidence, the clinical significance of this variant remains unclear.

NM_005188.4(CBL):c.2213A>G (p.Gln738Arg)

Gene: CBL (Cbl proto-oncogene; plus strand). Cytogenetic location: 11q23.3.
Variant type: single nucleotide variant.
Coding change: c.2213A>G on transcript NM_005188.4 (MANE Select); coding-DNA position 2213, A replaced by G.
Protein change: p.Gln738Arg; replaces glutamine 738 with arginine.
Molecular consequence: missense variant.
Genome position (GRCh38, 1-based): chr11:119,297,443, A>G. VCF-style: chr11-119297443-A-G. GRCh37 (hg19) VCF-style: chr11-119168153-A-G.
Other names: short protein forms Q738R.
Identifiers: ClinVar variation 4843625 (VCV004843625.1).
Genomic context (GRCh38, chr11:119,297,443, plus strand): 5'-GAGCATGTGATTGCGACCAGCAGATTGATAGCTGTACGTATGAAGCAATGTATAATATTC[A>G]GTCCCAGGCGCCATCTATCACCGAGAGCAGCACCTTTGGTAAGTTGCCATTCTGCTACTT-3'
Protein context (NP_005179.2, residues 728-748): SCTYEAMYNI[Gln738Arg]SQAPSITESS